The following is an entry in ClinVar:

NM_001113378.2(FANCI):c.13A>G (p.Ile5Val)

Gene: FANCI (FA complementation group I; plus strand). Cytogenetic location: 15q26.1.
Variant type: single nucleotide variant.
Coding change: c.13A>G on transcript NM_001113378.2 (MANE Select); coding-DNA position 13, A replaced by G.
Protein change: p.Ile5Val; replaces isoleucine 5 with valine.
Molecular consequence: missense variant. On other transcripts: 5 prime UTR variant (1).
Genome position (GRCh38, 1-based): chr15:89,247,660, A>G. VCF-style: chr15-89247660-A-G. GRCh37 (hg19) VCF-style: chr15-89790891-A-G.
Other names: c.-262A>G (NM_001376910.1); c.13A>G, p.Ile5Val (NM_001376911.1, NM_018193.3); short protein forms I5V.
Identifiers: ClinVar variation 841021 (VCV000841021.7), dbSNP rs200186938, ClinGen allele CA7722462.

ClinVar aggregate classification (germline): Uncertain significance. Review status: criteria provided, multiple submitters, no conflicts (2 of 4 stars). 2 submissions from 2 submitters: Uncertain significance (2). Last evaluated 2024-07-19.

Conditions:
Fanconi anemia complementation group I (FANCI). Also called: FANCI-Related Fanconi Anemia. Identifiers: Orphanet 84, MedGen C1836861, MONDO:0012186, OMIM 609053.
Fanconi anemia (FA). Also called: Fanconi's anemia. Identifiers: Orphanet 84, MedGen C0015625, MeSH D005199, MONDO:0019391.

Allele frequency attached by ClinVar (database versions not stated): ExAC 0.00001; gnomAD 0.00001 and 0.00002; gnomAD exomes 0.00001 and 0.00003; TOPMed 0.00001; 1000 Genomes Project 30x 0.00016; 1000 Genomes Project 0.00020.
gnomAD v4.1: 16 of 1,613,986 alleles (0.00099%); highest among the groups gnomAD compares: East Asian, 0.031%; no homozygotes.

Submissions (2):

Labcorp Genetics (formerly Invitae), Labcorp
Classification: Uncertain significance for Fanconi anemia. Last evaluated: 2024-07-19. Review status: criteria provided, single submitter. Criteria: Invitae Variant Classification Sherloc (09022015). Collection method: clinical testing. Allele origin: germline.
Comment: This sequence change replaces isoleucine, which is neutral and non-polar, with valine, which is neutral and non-polar, at codon 5 of the FANCI protein (p.Ile5Val). This variant is present in population databases (rs200186938, gnomAD 0.04%). This variant has not been reported in the literature in individuals affected with FANCI-related conditions. ClinVar contains an entry for this variant (Variation ID: 841021). An algorithm developed to predict the effect of missense changes on protein structure and function (PolyPhen-2) suggests that this variant is likely to be disruptive. In summary, the available evidence is currently insufficient to determine the role of this variant in disease. Therefore, it has been classified as a Variant of Uncertain Significance.

Fulgent Genetics
Classification: Uncertain significance for Fanconi anemia complementation group I. Last evaluated: 2021-09-10. Review status: criteria provided, single submitter. Criteria: ACMG Guidelines, 2015. Collection method: clinical testing. Allele origin: unknown.